The following is an entry in ClinVar:

NM_001164508.2(NEB):c.5747T>C (p.Met1916Thr)

Gene: NEB (nebulin; minus strand). Cytogenetic location: 2q23.3.
Variant type: single nucleotide variant.
Coding change: c.5747T>C on transcript NM_001164508.2 (MANE Select); coding-DNA position 5747, T replaced by C.
Protein change: p.Met1916Thr; replaces methionine 1916 with threonine.
Molecular consequence: missense variant.
Genome position (GRCh38, 1-based): chr2:151,663,564, A>G on the plus strand (T>C on the coding strand, the complement: NEB is on the minus strand). VCF-style: chr2-151663564-A-G. GRCh37 (hg19) VCF-style: chr2-152520078-A-G.
Other names: c.5747T>C, p.Met1916Thr (NM_001164507.2, NM_001271208.2, NM_004543.5); c.5747T>C (NM_004543.4); short protein forms M1916T.
Identifiers: ClinVar variation 423299 (VCV000423299.23), dbSNP rs142540692, ClinGen allele CA1910292.
Genomic context (GRCh38, chr2:151,663,564, plus strand): 5'-TTATTATCCAGAGTAAACGCTCTGCAAATGTGGTTTTCACGTACATCACTTTGAATCTGC[A>G]TCATATTTTTGGCCAATTCAAAGCTCATGGCATCAGGAAGCATGTTGTAGGTATGGATCA-3'
Protein context (NP_001157980.2, residues 1906-1926): AMSFELAKNM[Met1916Thr]QIQSDNQYKA

ClinVar aggregate classification (germline): Conflicting classifications of pathogenicity. Review status: criteria provided, conflicting classifications (1 of 4 stars). 5 submissions from 5 submitters: Uncertain significance (3); Likely benign (2). Last evaluated 2026-08-06.

Conditions:
Inborn genetic diseases. Identifiers: MedGen C0950123, MeSH D030342.
Nemaline myopathy 2 (NEM2). Also called: Nemaline myopathy 2, autosomal recessive. Identifiers: MedGen C1850569, MONDO:0009725, OMIM 256030.

Allele frequency attached by ClinVar (database versions not stated): 1000 Genomes Project 30x 0.00031; ExAC 0.00032; gnomAD 0.00111 and 0.00103; gnomAD exomes 0.00006 and 0.00025; 1000 Genomes Project 0.00040; ESP Exome Variant Server 0.00081; TOPMed 0.00105.

Submissions (5):

OLLIN Analises Genomicas, OLLIN
Classification: Uncertain significance for Nemaline myopathy 2. Last evaluated: 2026-08-06. Review status: criteria provided, single submitter. Criteria: ACMG Guidelines 2015 PMID 25741868. Collection method: clinical testing. Allele origin: germline. Inheritance: Autosomal recessive inheritance.
Comment: This missense variant, located in exon 45 (of 182), has been reported in ClinVar (accession VCV000423299.22) and in gnomAD with an allele frequency of 0.016%. However, to our knowledge, it has not been reported in the scientific literature. In silico analysis is inconclusive regarding the impact of this variant. According to the currently available evidence, this variant has been classified as uncertain significance (BS1).

Labcorp Genetics (formerly Invitae), Labcorp
Classification: Likely benign for Nemaline myopathy 2. Last evaluated: 2026-01-20. Review status: criteria provided, single submitter. Criteria: Invitae Variant Classification Sherloc (09022015). Collection method: clinical testing. Allele origin: germline.

Ambry Genetics
Classification: Uncertain significance for Inborn genetic diseases. Last evaluated: 2024-12-10. Review status: criteria provided, single submitter. Criteria: Ambry Variant Classification Scheme 2023. Collection method: clinical testing. Allele origin: germline.

GeneDx
Classification: Likely benign. Last evaluated: 2020-01-03. Review status: criteria provided, single submitter. Criteria: GeneDx Variant Classification Process June 2021. Collection method: clinical testing. Allele origin: germline. Affected: yes.

Eurofins Ntd Llc (ga)
Classification: Uncertain significance. Last evaluated: 2016-11-14. Review status: criteria provided, single submitter. Criteria: EGL Classification Definitions 2015. Collection method: clinical testing. Allele origin: germline. Observed: 1 variant allele, 1 heterozygote.